The following is an entry in ClinVar:

NM_024740.2(ALG9):c.754_757del (p.Phe252fs)

Gene: ALG9 (ALG9 alpha-1,2-mannosyltransferase; minus strand). Cytogenetic location: 11q23.1.
Variant type: Microsatellite.
Coding change: c.754_757del on transcript NM_024740.2 (MANE Select); coding-DNA positions 754 to 757, 4 bases deleted (TTTC; older notation c.754_757delTTTC).
Protein change: p.Phe252fs; shifts the reading frame from phenylalanine 252.
Molecular consequence: frameshift variant. On other transcripts: non-coding transcript variant (1).
Genome position (GRCh38, 1-based): chr11:111,853,681-111,853,684, GAAA deleted on the plus strand (TTTC on the coding strand, the reverse complement: ALG9 is on the minus strand); deleting any 4 consecutive bases within chr11:111,853,681-111,853,688 gives the same sequence; the c. name uses the placement nearest the transcript's 3' end. VCF-style (leftmost placement, unchanged base first): chr11-111853680-TGAAA-T. GRCh37 (hg19) VCF-style: chr11-111724403-TGAAA-T.
Other names: c.754_757del, p.Phe252fs (NM_001077690.1, NM_001352417.1, NM_001352418.1); c.241_244del, p.Phe81fs (NM_001077691.2, NM_001077692.2, NM_001352409.1 and 11 more transcripts); c.166_169del, p.Phe56fs (NM_001352422.2); short protein forms F252fs, F56fs, F81fs.
Identifiers: ClinVar variation 2014762 (VCV002014762.4), dbSNP rs2497297808, ClinGen allele CA2580615066.

ClinVar aggregate classification (germline): Pathogenic (1 of 4 stars; one submission).

Conditions:
ALG9 congenital disorder of glycosylation (CDG1L). Also called: CONGENITAL DISORDER OF GLYCOSYLATION, TYPE Il; CDG Il; ALG9-CDG. Identifiers: Orphanet 79328, MedGen C2931006, MONDO:0012117, OMIM 608776.

Submission:

Labcorp Genetics (formerly Invitae), Labcorp
Classification: Pathogenic for ALG9 congenital disorder of glycosylation. Last evaluated: 2022-07-06. Review status: criteria provided, single submitter. Criteria: Invitae Variant Classification Sherloc (09022015). Collection method: clinical testing. Allele origin: germline.
Comment: For these reasons, this variant has been classified as Pathogenic. This variant has not been reported in the literature in individuals affected with ALG9-related conditions. This variant is not present in population databases (gnomAD no frequency). This sequence change creates a premature translational stop signal (p.Phe252Ilefs*4) in the ALG9 gene. It is expected to result in an absent or disrupted protein product. Loss-of-function variants in ALG9 are known to be pathogenic (PMID: 25966638).

Literature cited by the submitters: PubMed 25966638.